The following is an entry in ClinVar:

ClinVar aggregate classification (germline): Likely pathogenic. Review status: criteria provided, multiple submitters, no conflicts (2 of 4 stars). 3 submissions from 3 submitters: Likely pathogenic (3). Last evaluated 2025-03-21.

Conditions:
Autosomal recessive nonsyndromic hearing loss 77. Identifiers: Orphanet 90636, MedGen C2746083, MONDO:0013119, OMIM 613079.

Allele frequency attached by ClinVar (database versions not stated): gnomAD exomes below 0.00001.
gnomAD v4.1: 4 of 1,551,374 alleles (0.00026%); highest among the groups gnomAD compares: Middle Eastern, 0.034%; no homozygotes.

Submissions (3):

First Genomix Gene Laboratory, Genetic Diagnostics Department
Classification: Likely pathogenic for Autosomal recessive nonsyndromic hearing loss 77. Last evaluated: 2025-03-21. Review status: criteria provided, single submitter. Criteria: ACMG Guidelines, 2015. Collection method: clinical testing. Allele origin: germline. Inheritance: Autosomal recessive inheritance. Affected: no. Observed: 1 variant allele.

Fulgent Genetics
Classification: Likely pathogenic for Autosomal recessive nonsyndromic hearing loss 77. Last evaluated: 2024-06-13. Review status: criteria provided, single submitter. Criteria: ACMG Guidelines, 2015. Collection method: clinical testing. Allele origin: germline.

Labcorp Genetics (formerly Invitae), Labcorp
Classification: Likely pathogenic. Last evaluated: 2021-03-06. Review status: criteria provided, single submitter. Criteria: Invitae Variant Classification Sherloc (09022015). Collection method: clinical testing. Allele origin: germline.
Comment: This sequence change affects a donor splice site in intron 16 of the LOXHD1 gene. It is expected to disrupt RNA splicing. Variants that disrupt the donor or acceptor splice site typically lead to a loss of protein function (PMID: 16199547), and loss-of-function variants in LOXHD1 are known to be pathogenic (PMID: 19732867, 21465660, 25792669). This variant is not present in population databases (ExAC no frequency). This variant has not been reported in the literature in individuals with LOXHD1-related conditions. Algorithms developed to predict the effect of sequence changes on RNA splicing suggest that this variant may disrupt the consensus splice site, but this prediction has not been confirmed by published transcriptional studies. In summary, the currently available evidence indicates that the variant is pathogenic, but additional data are needed to prove that conclusively. Therefore, this variant has been classified as Likely Pathogenic.

Literature cited by the submitters: PubMed 16199547 (cited by Labcorp Genetics (formerly Invitae), Labcorp); PubMed 19732867 (cited by Labcorp Genetics (formerly Invitae), Labcorp); PubMed 21465660 (cited by Labcorp Genetics (formerly Invitae), Labcorp); PubMed 25792669 (cited by Labcorp Genetics (formerly Invitae), Labcorp).

NM_001384474.1(LOXHD1):c.2244+1G>A

Gene: LOXHD1 (lipoxygenase homology PLAT domains 1; minus strand). Cytogenetic location: 18q21.1.
Variant type: single nucleotide variant.
Coding change: c.2244+1G>A on transcript NM_001384474.1 (MANE Select); the canonical splice donor site of the intron after coding-DNA position 2244, G replaced by A.
Molecular consequence: splice donor variant.
Genome position (GRCh38, 1-based): chr18:46,569,441, C>T on the plus strand (G>A on the coding strand, the complement: LOXHD1 is on the minus strand). VCF-style: chr18-46569441-C-T. GRCh37 (hg19) VCF-style: chr18-44149404-C-T.
Other names: c.2244+1G>A (NM_144612.7, NM_144612.6).
Identifiers: ClinVar variation 1346667 (VCV001346667.10), dbSNP rs1296156738, ClinGen allele CA402374680.
Genomic context (GRCh38, chr18:46,569,441, plus strand): 5'-TGTGAATGTGTGTTCGGAAATGGGTGGGATGATGTCACATGGTCTTGGGAAGGAGACTTA[C>T]ATTTCCAATGTTCAGGGTCTCGAGGGTGAACTCATCCACCCGGCCACGTTCAAAGTAGTC-3'